The following is an entry in ClinVar:

ClinVar aggregate classification (germline): Likely benign. Review status: criteria provided, multiple submitters, no conflicts (2 of 4 stars). 3 submissions from 3 submitters: Likely benign (3). Last evaluated 2024-12-24.

Conditions:
VPS13B-related disorder. Also called: VPS13B-related condition.
Inborn genetic diseases. Identifiers: MedGen C0950123, MeSH D030342.
Cohen syndrome (COH1). Also called: Cutis verticis gyrata, retinitis pigmentosa, and sensorineural deafness; PEPPER SYNDROME. Identifiers: Orphanet 193, MedGen C0265223, MONDO:0008999, OMIM 216550.

Allele frequency attached by ClinVar (database versions not stated): ExAC 0.00001; gnomAD 0.00001; gnomAD exomes 0.00001 and 0.00005; TOPMed 0.00001.
gnomAD v4.1: 75 of 1,614,162 alleles (0.0046%); highest among the groups gnomAD compares: Non-Finnish European, 0.0061%; no homozygotes.

Submissions (3):

PreventionGenetics, part of Exact Sciences
Classification: Likely benign for VPS13B-related condition. Last evaluated: 2024-12-24. Review status: criteria provided, single submitter. Criteria: ACMG Guidelines, 2015. Collection method: clinical testing. Allele origin: germline.
Comment: This variant is classified as likely benign based on ACMG/AMP sequence variant interpretation guidelines (Richards et al. 2015 PMID: 25741868, with internal and published modifications).

Labcorp Genetics (formerly Invitae), Labcorp
Classification: Likely benign for Cohen syndrome. Last evaluated: 2024-09-19. Review status: criteria provided, single submitter. Criteria: Invitae Variant Classification Sherloc (09022015). Collection method: clinical testing. Allele origin: germline.

Ambry Genetics
Classification: Likely benign for Inborn genetic diseases. Last evaluated: 2017-11-13. Review status: criteria provided, single submitter. Criteria: Ambry Variant Classification Scheme 2023. Collection method: clinical testing. Allele origin: germline.

NM_152564.5(VPS13B):c.10410A>G (p.Glu3470=)

Gene: VPS13B (vacuolar protein sorting 13 homolog B; plus strand). Cytogenetic location: 8q22.2.
Variant type: single nucleotide variant.
Coding change: c.10410A>G on transcript NM_152564.5 (MANE Select); coding-DNA position 10410, A replaced by G.
Protein change: p.Glu3470=; no amino-acid change (glutamic acid 3470 retained).
Molecular consequence: synonymous variant.
Genome position (GRCh38, 1-based): chr8:99,853,799, A>G. VCF-style: chr8-99853799-A-G. GRCh37 (hg19) VCF-style: chr8-100866027-A-G.
Other names: c.10410A>G (NM_152564.4); c.10485A>G, p.Glu3495= (NM_017890.5).
Identifiers: ClinVar variation 1155649 (VCV001155649.12), dbSNP rs751254612, ClinGen allele CA4824945.